The following is an entry in ClinVar:

ClinVar aggregate classification (germline): Uncertain significance (1 of 4 stars; one submission).

Conditions:
Inborn genetic diseases. Identifiers: MedGen C0950123, MeSH D030342.

gnomAD v4.1: 2 of 1,614,230 alleles (0.00012%); highest among the groups gnomAD compares: Non-Finnish European, 0.00017%; no homozygotes.

Submission:

Ambry Genetics
Classification: Uncertain significance for Inborn genetic diseases. Last evaluated: 2026-04-11. Review status: criteria provided, single submitter. Criteria: Ambry Variant Classification Scheme 2023. Collection method: clinical testing. Allele origin: germline.
Comment: The p.D1005G variant (also known as c.3014A>G), located in coding exon 23 of the BUB1B gene, results from an A to G substitution at nucleotide position 3014. The aspartic acid at codon 1005 is replaced by glycine, an amino acid with similar properties. This amino acid position is conserved. In addition, this alteration is predicted to be tolerated by in silico analysis. Based on the available evidence, the clinical significance of this variant remains unclear.

NM_001211.6(BUB1B):c.3014A>G (p.Asp1005Gly)

Genes: BUB1B (BUB1 mitotic checkpoint serine/threonine kinase B; plus strand), BUB1B-PAK6 (BUB1B-PAK6 readthrough; plus strand). Cytogenetic location: 15q15.1.
Variant type: single nucleotide variant.
Coding change: c.3014A>G on transcript NM_001211.6 (MANE Select); coding-DNA position 3014, A replaced by G.
Protein change: p.Asp1005Gly; replaces aspartic acid 1005 with glycine.
Molecular consequence: missense variant. On other transcripts: intron variant (2).
Genome position (GRCh38, 1-based): chr15:40,220,620, A>G. VCF-style: chr15-40220620-A-G. GRCh37 (hg19) VCF-style: chr15-40512821-A-G.
Other names: c.-201+2953A>G (NM_001128628.3); c.-118+2953A>G (NM_001128629.3); short protein forms D1005G.
Identifiers: ClinVar variation 4867992 (VCV004867992.1).
Genomic context (GRCh38, chr15:40,220,620, plus strand): 5'-TTAGGCTAAAAGATGGTGAATTGTGGAATAAATTCTTTGTGCGGATTCTGAATGCCAATG[A>G]TGAGGCCACAGTGTCTGTTCTTGGGGAGCTTGCAGCAGAAATGAATGGGGTTTTTGACAC-3'
Protein context (NP_001202.5, residues 995-1015): KFFVRILNAN[Asp1005Gly]EATVSVLGEL